The following is an entry in ClinVar:

NM_000202.8(IDS):c.79G>T (p.Glu27Ter)

Genes: IDS (iduronate 2-sulfatase; minus strand), LOC130068781 (ATAC-STARR-seq lymphoblastoid active region 30015; plus strand). Cytogenetic location: Xq28.
Variant type: single nucleotide variant.
Coding change: c.79G>T on transcript NM_000202.8 (MANE Select); coding-DNA position 79, G replaced by T.
Protein change: p.Glu27Ter; replaces glutamic acid 27 with a stop codon.
Molecular consequence: nonsense. On other transcripts: 5 prime UTR variant (1), non-coding transcript variant (1).
Genome position (GRCh38, 1-based): chrX:149,505,059, C>A on the plus strand (G>T on the coding strand, the complement: IDS is on the minus strand). VCF-style: chrX-149505059-C-A. GRCh37 (hg19) VCF-style: chrX-148586589-C-A.
Other names: c.-148G>T (NM_001166550.4); c.79G>T, p.Glu27Ter (NM_006123.5); short protein forms E27*.
Identifiers: ClinVar variation 3255675 (VCV003255675.2).

ClinVar aggregate classification (germline): Pathogenic (1 of 4 stars; one submission).

Conditions:
Mucopolysaccharidosis, MPS-II (MPS2). Also called: Hunter Syndrome; IDURONATE 2-SULFATASE DEFICIENCY; Mucopolysaccharidosis Type II; Mucopolysaccharidosis type 2; Attenuated MPS (subtype; formerly known as mild MPS II); Severe MPS II. Identifiers: Orphanet 580, Orphanet 79388, MedGen C0026705, MONDO:0010674, OMIM 309900.

Submission:

Laboratory of Diagnosis and Therapy of Lysosomal Disorders, University of Padova
Classification: Pathogenic for Mucopolysaccharidosis, MPS-II. Last evaluated: 2024-06-07. Review status: criteria provided, single submitter. Criteria: ACMG Guidelines, 2015. Collection method: literature only. Allele origin: germline. Affected: yes. Observed: 1 variant allele.
Comment: Null variant (PVS1_VeryStrong), Absent from controls (or at low frequency) in gnomAD database (PM2_Moderate), Patient’s phenotype or family history highly specific for the disease (PP4_Strong)

Classification method: ACMG Guidelines [PMID:25741868] with modifications

Literature cited by the submitters: PubMed 22976768.